The following is an entry in ClinVar:

ClinVar aggregate classification (germline): Uncertain significance (1 of 4 stars; one submission).

Conditions:
Familial focal epilepsy with variable foci (FPEVF). Identifiers: Orphanet 98820, MedGen C1858477, MONDO:0020310.

Submission:

Labcorp Genetics (formerly Invitae), Labcorp
Classification: Uncertain significance for Familial focal epilepsy with variable foci. Last evaluated: 2025-07-10. Review status: criteria provided, single submitter. Criteria: Invitae Variant Classification Sherloc (09022015). Collection method: clinical testing. Allele origin: germline.
Comment: This sequence change replaces phenylalanine, which is neutral and non-polar, with leucine, which is neutral and non-polar, at codon 1255 of the DEPDC5 protein (p.Phe1255Leu). This variant is not present in population databases (gnomAD no frequency). This variant has not been reported in the literature in individuals affected with DEPDC5-related conditions. Experimental studies and prediction algorithms are not available or were not evaluated, and the functional significance of this variant is currently unknown. In summary, the available evidence is currently insufficient to determine the role of this variant in disease. Therefore, it has been classified as a Variant of Uncertain Significance.

NM_001242896.3(DEPDC5):c.3765C>G (p.Phe1255Leu)

Gene: DEPDC5 (DEP domain containing 5, GATOR1 subcomplex subunit; plus strand). Cytogenetic location: 22q12.3.
Variant type: single nucleotide variant.
Coding change: c.3765C>G on transcript NM_001242896.3 (MANE Select); coding-DNA position 3765, C replaced by G.
Protein change: p.Phe1255Leu; replaces phenylalanine 1255 with leucine.
Molecular consequence: missense variant. On other transcripts: non-coding transcript variant (2).
Genome position (GRCh38, 1-based): chr22:31,876,225, C>G. VCF-style: chr22-31876225-C-G. GRCh37 (hg19) VCF-style: chr22-32272211-C-G.
Other names: c.3738C>G, p.Phe1246Leu (NM_001136029.4); c.3465C>G, p.Phe1155Leu (NM_001242897.2); c.3699C>G, p.Phe1233Leu (NM_001363852.2, NM_001364320.2); c.3531C>G, p.Phe1177Leu (NM_001363854.2, NM_001364319.2); c.3765C>G, p.Phe1255Leu (NM_001364318.2); c.3681C>G, p.Phe1227Leu (NM_001369901.1, NM_001369902.1); c.3672C>G, p.Phe1224Leu (NM_001369903.1, NM_014662.6); short protein forms F1246L, F1177L, F1227L, F1233L, F1155L, F1224L, F1255L.
Identifiers: ClinVar variation 4702914 (VCV004702914.1).